The following is an entry in ClinVar:

ClinVar aggregate classification (germline): Uncertain significance (1 of 4 stars; one submission).

Conditions:
Vici syndrome (VICIS). Identifiers: Orphanet 1493, MedGen C1855772, MONDO:0009452, OMIM 242840.

Allele frequency attached by ClinVar (database versions not stated): gnomAD exomes below 0.00001.
gnomAD v4.1: 2 of 1,614,182 alleles (0.00012%); highest among the groups gnomAD compares: South Asian, 0.0011%; no homozygotes.

Submission:

Labcorp Genetics (formerly Invitae), Labcorp
Classification: Uncertain significance for Vici syndrome. Last evaluated: 2022-07-19. Review status: criteria provided, single submitter. Criteria: Invitae Variant Classification Sherloc (09022015). Collection method: clinical testing. Allele origin: germline.
Comment: This variant has not been reported in the literature in individuals affected with EPG5-related conditions. In summary, the available evidence is currently insufficient to determine the role of this variant in disease. Therefore, it has been classified as a Variant of Uncertain Significance. Algorithms developed to predict the effect of missense changes on protein structure and function are either unavailable or do not agree on the potential impact of this missense change (SIFT: "Tolerated"; PolyPhen-2: "Possibly Damaging"; Align-GVGD: "Class C0"). ClinVar contains an entry for this variant (Variation ID: 1391924). This variant is not present in population databases (gnomAD no frequency). This sequence change replaces methionine, which is neutral and non-polar, with isoleucine, which is neutral and non-polar, at codon 719 of the EPG5 protein (p.Met719Ile).

NM_020964.3(EPG5):c.2157G>A (p.Met719Ile)

Gene: EPG5 (ectopic P-granules 5 autophagy tethering factor; minus strand). Cytogenetic location: 18q21.1.
Variant type: single nucleotide variant.
Coding change: c.2157G>A on transcript NM_020964.3 (MANE Select); coding-DNA position 2157, G replaced by A.
Protein change: p.Met719Ile; replaces methionine 719 with isoleucine.
Molecular consequence: missense variant.
Genome position (GRCh38, 1-based): chr18:45,934,909, C>T on the plus strand (G>A on the coding strand, the complement: EPG5 is on the minus strand). VCF-style: chr18-45934909-C-T. GRCh37 (hg19) VCF-style: chr18-43514875-C-T.
Other names: short protein forms M719I.
Identifiers: ClinVar variation 1391924 (VCV001391924.7), dbSNP rs2145846069, ClinGen allele CA402347730.